The following is an entry in ClinVar:

NM_000275.3(OCA2):c.1579C>G (p.Leu527Val)

Gene: OCA2 (OCA2 melanosomal transmembrane protein; minus strand). Cytogenetic location: 15q13.1.
Variant type: single nucleotide variant.
Coding change: c.1579C>G on transcript NM_000275.3 (MANE Select); coding-DNA position 1579, C replaced by G.
Protein change: p.Leu527Val; replaces leucine 527 with valine.
Molecular consequence: missense variant.
Genome position (GRCh38, 1-based): chr15:27,966,747, G>C on the plus strand (C>G on the coding strand, the complement: OCA2 is on the minus strand). VCF-style: chr15-27966747-G-C. GRCh37 (hg19) VCF-style: chr15-28211893-G-C.
Other names: c.1507C>G, p.Leu503Val (NM_001300984.2); short protein forms L503V, L527V.
Identifiers: ClinVar variation 1467478 (VCV001467478.6), dbSNP rs2140825012, ClinGen allele CA391357075.
Genomic context (GRCh38, chr15:27,966,747, plus strand): 5'-CACCAACAATCTCACTGGGTTCCTTGTTATAAAGCTTTCTGTTCCAGTAAAGGAGTCTGA[G>C]GAGCGGAAAGCAGACCAGGAGAACAAGGCAAATCCCAATGAACATGTGTGCAGTGAATCC-3'
Protein context (NP_000266.2, residues 517-537): CLVLLVCFPL[Leu527Val]RLLYWNRKLY

ClinVar aggregate classification (germline): Uncertain significance (1 of 4 stars; one submission).

Submission:

Labcorp Genetics (formerly Invitae), Labcorp
Classification: Uncertain significance. Last evaluated: 2022-08-16. Review status: criteria provided, single submitter. Criteria: Invitae Variant Classification Sherloc (09022015). Collection method: clinical testing. Allele origin: germline.
Comment: This variant is not present in population databases (gnomAD no frequency). In summary, the available evidence is currently insufficient to determine the role of this variant in disease. Therefore, it has been classified as a Variant of Uncertain Significance. Algorithms developed to predict the effect of missense changes on protein structure and function are either unavailable or do not agree on the potential impact of this missense change (SIFT: "Deleterious"; PolyPhen-2: "Possibly Damaging"; Align-GVGD: "Class C0"). ClinVar contains an entry for this variant (Variation ID: 1467478). This variant has not been reported in the literature in individuals affected with OCA2-related conditions. This sequence change replaces leucine, which is neutral and non-polar, with valine, which is neutral and non-polar, at codon 527 of the OCA2 protein (p.Leu527Val).